The following is an entry in ClinVar:

NM_001006658.3(CR2):c.127G>C (p.Val43Leu)

Gene: CR2 (complement C3d receptor 2; plus strand). Cytogenetic location: 1q32.2.
Variant type: single nucleotide variant.
Coding change: c.127G>C on transcript NM_001006658.3 (MANE Select); coding-DNA position 127, G replaced by C.
Protein change: p.Val43Leu; replaces valine 43 with leucine.
Molecular consequence: missense variant.
Genome position (GRCh38, 1-based): chr1:207,466,594, G>C. VCF-style: chr1-207466594-G-C. GRCh37 (hg19) VCF-style: chr1-207639939-G-C.
Other names: c.127G>C, p.Val43Leu (NM_001877.5); short protein forms V43L.
Identifiers: ClinVar variation 1462369 (VCV001462369.8), dbSNP rs2102300576, ClinGen allele CA344522488.

ClinVar aggregate classification (germline): Uncertain significance (1 of 4 stars; one submission).

Conditions:
Immunodeficiency, common variable, 7. Identifiers: Orphanet 1572, Orphanet 696894, MedGen C3542922, MONDO:0013862, OMIM 614699.

Allele frequency attached by ClinVar (database versions not stated): gnomAD exomes below 0.00001.

Submission:

Labcorp Genetics (formerly Invitae), Labcorp
Classification: Uncertain significance for Immunodeficiency, common variable, 7. Last evaluated: 2021-06-06. Review status: criteria provided, single submitter. Criteria: Invitae Variant Classification Sherloc (09022015). Collection method: clinical testing. Allele origin: germline.
Comment: This sequence change replaces valine with leucine at codon 43 of the CR2 protein (p.Val43Leu). The valine residue is weakly conserved and there is a small physicochemical difference between valine and leucine. This variant is not present in population databases (ExAC no frequency). This variant has not been reported in the literature in individuals with CR2-related conditions. Algorithms developed to predict the effect of missense changes on protein structure and function output the following: SIFT: "Tolerated"; PolyPhen-2: "Benign"; Align-GVGD: "Class C0". The leucine amino acid residue is found in multiple mammalian species, suggesting that this missense change does not adversely affect protein function. These predictions have not been confirmed by published functional studies and their clinical significance is uncertain. In summary, the available evidence is currently insufficient to determine the role of this variant in disease. Therefore, it has been classified as a Variant of Uncertain Significance.